The following is an entry in ClinVar:

NM_024490.4(ATP10A):c.2597G>T (p.Arg866Leu)

Gene: ATP10A (ATPase phospholipid transporting 10A (putative); minus strand). Cytogenetic location: 15q12.
Variant type: single nucleotide variant.
Coding change: c.2597G>T on transcript NM_024490.4 (MANE Select); coding-DNA position 2597, G replaced by T.
Protein change: p.Arg866Leu; replaces arginine 866 with leucine.
Molecular consequence: missense variant.
Genome position (GRCh38, 1-based): chr15:25,702,079, C>A on the plus strand (G>T on the coding strand, the complement: ATP10A is on the minus strand). VCF-style: chr15-25702079-C-A. GRCh37 (hg19) VCF-style: chr15-25947226-C-A.
Other names: short protein forms R866L.
Identifiers: ClinVar variation 3050729 (VCV003050729.2), dbSNP rs748011943, ClinGen allele CA391366159.

ClinVar aggregate classification (germline): Uncertain significance (0 of 4 stars; one submission).

Conditions:
ATP10A-related disorder. Also called: ATP10A-related condition.

Submission:

PreventionGenetics, part of Exact Sciences
Classification: Uncertain significance for ATP10A-related condition. Last evaluated: 2024-02-14. Review status: no assertion criteria provided. Collection method: clinical testing. Allele origin: germline.
Comment: The ATP10A c.2597G>T variant is predicted to result in the amino acid substitution p.Arg866Leu. To our knowledge, this variant has not been reported in the literature or in a large population database, indicating this variant is rare. At this time, the clinical significance of this variant is uncertain due to the absence of conclusive functional and genetic evidence.